The following is an entry in ClinVar:

ClinVar aggregate classification (germline): Uncertain significance (1 of 4 stars; one submission).

Conditions:
Intellectual developmental disorder, X-linked 19. Also called: Intellectual disability, X-linked 19. Identifiers: Orphanet 777, MedGen C0796225, MONDO:0010447, OMIM 300844.
Coffin-Lowry syndrome (CLS). Also called: Mental retardation with osteocartilaginous abnormalities; COFFIN-LOWRY SYNDROME, MILD. Identifiers: Orphanet 192, MedGen C0265252, MONDO:0010561, OMIM 303600.

Submission:

Labcorp Genetics (formerly Invitae), Labcorp
Classification: Uncertain significance for Coffin-Lowry syndrome; Intellectual developmental disorder, X-linked 19. Last evaluated: 2025-10-15. Review status: criteria provided, single submitter. Criteria: Invitae Variant Classification Sherloc (09022015). Collection method: clinical testing. Allele origin: germline.
Comment: This sequence change replaces proline, which is neutral and non-polar, with alanine, which is neutral and non-polar, at codon 315 of the RPS6KA3 protein (p.Pro315Ala). This variant is not present in population databases (gnomAD no frequency). This variant has not been reported in the literature in individuals affected with RPS6KA3-related conditions. Invitae Evidence Modeling of protein sequence and biophysical properties (such as structural, functional, and spatial information, amino acid conservation, physicochemical variation, residue mobility, and thermodynamic stability) indicates that this missense variant is not expected to disrupt RPS6KA3 protein function with a negative predictive value of 80%. In summary, the available evidence is currently insufficient to determine the role of this variant in disease. Therefore, it has been classified as a Variant of Uncertain Significance.

NM_004586.3(RPS6KA3):c.943C>G (p.Pro315Ala)

Gene: RPS6KA3 (ribosomal protein S6 kinase A3; minus strand). Cytogenetic location: Xp22.12.
Variant type: single nucleotide variant.
Coding change: c.943C>G on transcript NM_004586.3 (MANE Select); coding-DNA position 943, C replaced by G.
Protein change: p.Pro315Ala; replaces proline 315 with alanine.
Molecular consequence: missense variant.
Genome position (GRCh38, 1-based): chrX:20,176,490, G>C on the plus strand (C>G on the coding strand, the complement: RPS6KA3 is on the minus strand). VCF-style: chrX-20176490-G-C. GRCh37 (hg19) VCF-style: chrX-20194608-G-C.
Other names: c.859C>G, p.Pro287Ala (NM_001438340.1); short protein forms P287A, P315A.
Identifiers: ClinVar variation 4793938 (VCV004793938.1).
Genomic context (GRCh38, chrX:20,176,490, plus strand): 5'-TTACATTCCAGTCTATCGTTGAGAAAAATGAATGTCTTTTAATTTCTTCAACTCCATCTG[G>C]TCCTGCACCTATCAAAAATGGATTCACTGATAATTTTATTTCAAGGAGAAATATACATAT-3'
Protein context (NP_004577.1, residues 305-325): RNPANRLGAG[Pro315Ala]DGVEEIKRHS